The following is an entry in ClinVar:

ClinVar aggregate classification (germline): Benign/Likely benign. Review status: criteria provided, multiple submitters, no conflicts (2 of 4 stars). 3 submissions from 3 submitters: Benign (2); Likely benign (1). Last evaluated 2022-07-01.

Allele frequency attached by ClinVar (database versions not stated): 1000 Genomes Project 0.00120; 1000 Genomes Project 30x 0.00156; ExAC 0.00213; gnomAD exomes 0.00236 and 0.00333; TOPMed 0.00265; gnomAD 0.00294 and 0.00299; ESP Exome Variant Server 0.00307.
gnomAD v4.1: 5,075 of 1,551,646 alleles (0.33%); highest among the groups gnomAD compares: Non-Finnish European, 0.41%; 19 homozygotes.

Submissions (3):

CeGaT Center for Human Genetics Tuebingen
Classification: Likely benign. Last evaluated: 2022-07-01. Review status: criteria provided, single submitter. Criteria: CeGaT Center For Human Genetics Tuebingen Variant Classification Criteria Version 2. Collection method: clinical testing. Allele origin: germline. Affected: yes. Observed: 2 variant alleles.
Comment: DNAH6: BP4, BP7

Labcorp Genetics (formerly Invitae), Labcorp
Classification: Benign. Last evaluated: 2019-12-31. Review status: criteria provided, single submitter. Criteria: Invitae Variant Classification Sherloc (09022015). Collection method: clinical testing. Allele origin: germline.

Breakthrough Genomics
Classification: Benign. Review status: criteria provided, single submitter. Criteria: ACMG Guidelines, 2015. Collection method: not provided. Allele origin: germline. Inheritance: Unknown mechanism. Affected: yes.

NM_001370.2(DNAH6):c.11562T>C (p.Asn3854=)

Gene: DNAH6 (dynein axonemal heavy chain 6; plus strand). Cytogenetic location: 2p11.2.
Variant type: single nucleotide variant.
Coding change: c.11562T>C on transcript NM_001370.2 (MANE Select); coding-DNA position 11562, T replaced by C.
Protein change: p.Asn3854=; no amino-acid change (asparagine 3854 retained).
Molecular consequence: synonymous variant.
Genome position (GRCh38, 1-based): chr2:84,805,745, T>C. VCF-style: chr2-84805745-T-C. GRCh37 (hg19) VCF-style: chr2-85032869-T-C.
Identifiers: ClinVar variation 775174 (VCV000775174.35), dbSNP rs75617902, ClinGen allele CA1737797.